The following is an entry in ClinVar:

NM_003403.5(YY1):c.73G>A (p.Glu25Lys)

Gene: YY1 (YY1 transcription factor; plus strand). Cytogenetic location: 14q32.2.
Variant type: single nucleotide variant.
Coding change: c.73G>A on transcript NM_003403.5 (MANE Select); coding-DNA position 73, G replaced by A.
Protein change: p.Glu25Lys; replaces glutamic acid 25 with lysine.
Molecular consequence: missense variant.
Genome position (GRCh38, 1-based): chr14:100,239,317, G>A. VCF-style: chr14-100239317-G-A. GRCh37 (hg19) VCF-style: chr14-100705654-G-A.
Other names: short protein forms E25K.
Identifiers: ClinVar variation 1712655 (VCV001712655.2), dbSNP rs2549127119, ClinGen allele CA390970876.

ClinVar aggregate classification (germline): Uncertain significance (1 of 4 stars; one submission).

Submission:

GeneDx
Classification: Uncertain significance. Last evaluated: 2022-04-27. Review status: criteria provided, single submitter. Criteria: GeneDx Variant Classification Process June 2021. Collection method: clinical testing. Allele origin: germline. Affected: yes.
Comment: Not observed at significant frequency in large population cohorts (gnomAD); In silico analysis supports that this missense variant has a deleterious effect on protein structure/function; Has not been previously published as pathogenic or benign to our knowledge